The following is an entry in ClinVar:

ClinVar aggregate classification (germline): Uncertain significance. Review status: criteria provided, single submitter (1 of 4 stars). 2 submissions from 2 submitters: Uncertain significance (1). 1 of the submissions does not count toward it. Last evaluated 2021-09-02.

Conditions:
Congenital neutropenia-myelofibrosis-nephromegaly syndrome. Also called: Severe congenital neutropenia 5, autosomal recessive. Identifiers: Orphanet 369852, MedGen C3809031, MONDO:0014118, OMIM 615285.

Allele frequency attached by ClinVar (database versions not stated): TOPMed below 0.00001; gnomAD 0.00001; gnomAD exomes 0.00003; ExAC 0.00004.

Submissions (2):

Labcorp Genetics (formerly Invitae), Labcorp
Classification: Uncertain significance for Congenital neutropenia-myelofibrosis-nephromegaly syndrome. Last evaluated: 2021-09-02. Review status: criteria provided, single submitter. Criteria: Invitae Variant Classification Sherloc (09022015). Collection method: clinical testing. Allele origin: germline.
Comment: This sequence change replaces arginine with glutamine at codon 206 of the VPS45 protein (p.Arg206Gln). The arginine residue is moderately conserved and there is a small physicochemical difference between arginine and glutamine. This variant is present in population databases (rs782495021, ExAC 0.05%). This variant has not been reported in the literature in individuals affected with VPS45-related conditions. Algorithms developed to predict the effect of missense changes on protein structure and function (SIFT, PolyPhen-2, Align-GVGD) all suggest that this variant is likely to be tolerated. Algorithms developed to predict the effect of sequence changes on RNA splicing suggest that this variant may create or strengthen a splice site. In summary, the available evidence is currently insufficient to determine the role of this variant in disease. Therefore, it has been classified as a Variant of Uncertain Significance.

Natera, Inc.
Classification: Uncertain significance for Autosomal recessive severe congenital neutropenia 5. Last evaluated: 2020-07-09. Review status: no assertion criteria provided. Collection method: clinical testing. Allele origin: germline. Not counted in ClinVar's aggregate classification.

NM_007259.5(VPS45):c.617G>A (p.Arg206Gln)

Gene: VPS45 (vacuolar protein sorting 45 homolog; plus strand). Cytogenetic location: 1q21.2.
Variant type: single nucleotide variant.
Coding change: c.617G>A on transcript NM_007259.5 (MANE Select); coding-DNA position 617, G replaced by A.
Protein change: p.Arg206Gln; replaces arginine 206 with glutamine.
Molecular consequence: missense variant. On other transcripts: non-coding transcript variant (1).
Genome position (GRCh38, 1-based): chr1:150,077,709, G>A. VCF-style: chr1-150077709-G-A. GRCh37 (hg19) VCF-style: chr1-150049787-G-A.
Other names: c.302G>A, p.Arg101Gln (NM_001279353.2); c.509G>A, p.Arg170Gln (NM_001279354.2); short protein forms R101Q, R170Q, R206Q.
Identifiers: ClinVar variation 952644 (VCV000952644.7), dbSNP rs782495021, ClinGen allele CA1073194.